The following is an entry in ClinVar:

NM_004544.4(NDUFA10):c.712G>A (p.Glu238Lys)

Gene: NDUFA10 (NADH:ubiquinone oxidoreductase subunit A10; minus strand). Cytogenetic location: 2q37.3.
Variant type: single nucleotide variant.
Coding change: c.712G>A on transcript NM_004544.4 (MANE Select); coding-DNA position 712, G replaced by A.
Protein change: p.Glu238Lys; replaces glutamic acid 238 with lysine.
Molecular consequence: missense variant. On other transcripts: non-coding transcript variant (4).
Genome position (GRCh38, 1-based): chr2:240,011,654, C>T on the plus strand (G>A on the coding strand, the complement: NDUFA10 is on the minus strand). VCF-style: chr2-240011654-C-T. GRCh37 (hg19) VCF-style: chr2-240951071-C-T.
Other names: p.E238K:GAG>AAG; c.712G>A, p.Glu238Lys (NM_001322019.2, NM_001322020.2); short protein forms E238K.
Identifiers: ClinVar variation 138437 (VCV000138437.50), dbSNP rs35462421, ClinGen allele CA292421.

ClinVar aggregate classification (germline): Benign/Likely benign. Review status: criteria provided, multiple submitters, no conflicts (2 of 4 stars). 11 submissions from 10 submitters: Benign (2); Likely benign (8). 1 of the submissions does not count toward it. Last evaluated 2026-09-01.

Conditions:
Mitochondrial complex I deficiency, nuclear type 1. Also called: NADH-COENZYME Q REDUCTASE DEFICIENCY; MITOCHONDRIAL NADH DEHYDROGENASE COMPONENT OF COMPLEX I, DEFICIENCY OF. Identifiers: MedGen C6022305, MONDO:0100224, OMIM 252010.
Mitochondrial complex I deficiency, nuclear type 22. Also called: Mitochondrial complex 1 deficiency, nuclear type 22. Identifiers: MedGen C4748796, MONDO:0032626, OMIM 618243.
Leigh syndrome (NULS). Also called: Leigh Syndrome (mtDNA deletion); Leigh's syndrome; Leigh's necrotizing encephalopathy; Leigh's disease; Leigh Disease; Subacute necrotizing encephalopathy. Identifiers: Orphanet 506, MedGen C2931891, MONDO:0009723, OMIM 256000.

Allele frequency attached by ClinVar (database versions not stated): 1000 Genomes Project 0.00280; 1000 Genomes Project 30x 0.00297; ExAC 0.00536; ESP Exome Variant Server 0.00538; gnomAD 0.00569 and 0.00570; gnomAD exomes 0.00579 and 0.00637; TOPMed 0.00639.
gnomAD v4.1: 10,252 of 1,613,638 alleles (0.64%); highest among the groups gnomAD compares: Admixed American, 0.9%; 48 homozygotes.

Submissions (11):

CeGaT Center for Human Genetics Tuebingen
Classification: Likely benign. Last evaluated: 2026-09-01. Review status: criteria provided, single submitter. Criteria: CeGaT Center For Human Genetics Tuebingen Variant Classification Criteria Version 2. Collection method: clinical testing. Allele origin: germline. Affected: yes. Observed: 24 variant alleles.
Comment: NDUFA10: BS2

Labcorp Genetics (formerly Invitae), Labcorp
Classification: Likely benign. Last evaluated: 2026-01-28. Review status: criteria provided, single submitter. Criteria: Invitae Variant Classification Sherloc (09022015). Collection method: clinical testing. Allele origin: germline.

Genomic Medicine Center of Excellence, King Faisal Specialist Hospital and Research Centre
Classification: Likely benign. Last evaluated: 2025-08-18. Review status: criteria provided, single submitter. Criteria: ACMG Guidelines, 2015. Collection method: clinical testing. Allele origin: germline.

Fulgent Genetics
Classification: Likely benign for Mitochondrial complex I deficiency, nuclear type 22. Last evaluated: 2022-02-07. Review status: criteria provided, single submitter. Criteria: ACMG Guidelines, 2015. Collection method: clinical testing. Allele origin: unknown.

Mendelics
Classification: Likely benign for Leigh syndrome. Last evaluated: 2019-05-28. Review status: criteria provided, single submitter. Criteria: Mendelics Assertion Criteria 2017. Collection method: clinical testing. Allele origin: unknown.

Center for Pediatric Genomic Medicine, Children's Mercy Hospital and Clinics
Classification: Likely benign. Last evaluated: 2017-05-11. Review status: criteria provided, single submitter. Criteria: ACMG Guidelines, 2015. Collection method: clinical testing. Allele origin: germline.

Illumina Laboratory Services, Illumina
Classification: Benign for Leigh syndrome. Last evaluated: 2017-04-27. Review status: criteria provided, single submitter. Criteria: ICSL Variant Classification Criteria 13 December 2019. Collection method: clinical testing. Allele origin: germline.
Comment: This variant was observed as part of a predisposition screen in an ostensibly healthy population. A literature search was performed for the gene, cDNA change, and amino acid change (where applicable). No publications were found based on this search. Allele frequency data from public databases was too high to be consistent with this variant causing disease. Therefore, this variant is classified as benign.

Illumina Laboratory Services, Illumina
Classification: Likely benign for Mitochondrial complex I deficiency, nuclear type 1. Last evaluated: 2017-04-27. Review status: criteria provided, single submitter. Criteria: ICSL Variant Classification Criteria 13 December 2019. Collection method: clinical testing. Allele origin: germline.
Comment: This variant was observed as part of a predisposition screen in an ostensibly healthy population. A literature search was performed for the gene, cDNA change, and amino acid change (where applicable). No publications were found based on this search. Allele frequency data from public databases allowed determination this variant is unlikely to cause disease. Therefore, this variant is classified as likely benign.

GeneDx
Classification: Benign. Last evaluated: 2014-04-07. Review status: criteria provided, single submitter. Criteria: GeneDx Variant Classification (06012015). Collection method: clinical testing. Allele origin: germline. Affected: yes.
Comment: This variant is considered likely benign or benign based on one or more of the following criteria: it is a conservative change, it occurs at a poorly conserved position in the protein, it is predicted to be benign by multiple in silico algorithms, and/or has population frequency not consistent with disease.

Breakthrough Genomics
Classification: Likely benign. Review status: criteria provided, single submitter. Criteria: ACMG Guidelines, 2015. Collection method: not provided. Allele origin: germline. Inheritance: Autosomal recessive inheritance. Affected: yes.

Department of Pathology and Laboratory Medicine, Sinai Health System
Classification: Benign for Leigh syndrome. Review status: no assertion criteria provided. Collection method: clinical testing. Allele origin: unknown. Affected: yes. Study: The Canadian Open Genetics Repository (COGR). Not counted in ClinVar's aggregate classification.
Comment: The NDUFA10 p.E238K variant was not identified in the literature but was identified in dbSNP (ID: rs35462421) and ClinVar (classified as likely benign by Invitae and three other laboratories; and as benign by GeneDx and Illumina). The variant was identified in control databases in 1601 of 282886 chromosomes (7 homozygous) at a frequency of 0.005660, and was observed at the highest frequency in the European (non-Finnish) population in 1009 of 129192 chromosomes (5 homozygous) (freq: 0.007810) (Genome Aggregation Database March 6, 2019, v2.1.1). The p.E238 residue is conserved in mammals and computational analyses (MUT Assesor, PolyPhen-2, SIFT, MutationTaster, Revel, FATHMM, MetaLR, DANN) suggest that the variant may impact the protein; however this is not predictive enough to assume pathogenicity. The variant occurs outside of the splicing consensus sequence and in silico or computational prediction software programs (Splice AI exome) do not predict a difference in splicing. In summary, based on the above information this variant meets our laboratory's criteria to be classified as benign.